The following is an entry in ClinVar:

NM_001040142.2(SCN2A):c.3778A>C (p.Lys1260Gln)

Gene: SCN2A (sodium voltage-gated channel alpha subunit 2; plus strand). Cytogenetic location: 2q24.3.
Variant type: single nucleotide variant.
Coding change: c.3778A>C on transcript NM_001040142.2 (MANE Select); coding-DNA position 3778, A replaced by C.
Protein change: p.Lys1260Gln; replaces lysine 1260 with glutamine.
Molecular consequence: missense variant.
Genome position (GRCh38, 1-based): chr2:165,370,228, A>C. VCF-style: chr2-165370228-A-C. GRCh37 (hg19) VCF-style: chr2-166226738-A-C.
Other names: NM_001040142.2(SCN2A):c.3778A>C; p.Lys1260Gln; c.3778A>C, p.Lys1260Gln (NM_001040143.2, NM_001371246.1, NM_001371247.1 and 1 more transcripts); short protein forms K1260Q.
Identifiers: ClinVar variation 984832 (VCV000984832.5), dbSNP rs1553591813, ClinGen allele CA349028088.
Genomic context (GRCh38, chr2:165,370,228, plus strand): 5'-ACCATGTTAGAATATGCTGACAAGGTTTTCACTTACATATTCATTCTGGAAATGCTGCTA[A>C]AGTGGGTTGCATATGGTTTTCAAGTGTATTTTACCAATGCCTGGTGCTGGCTAGACTTCC-3'
Protein context (NP_001035232.1, residues 1250-1270): TYIFILEMLL[Lys1260Gln]WVAYGFQVYF

ClinVar aggregate classification (germline): Likely pathogenic (3 of 4 stars; one submission).

Conditions:
Complex neurodevelopmental disorder. Identifiers: Orphanet 528084, MedGen C5568766, MONDO:0100038.

Submissions (2):

ClinGen Epilepsy Sodium Channel Variant Curation Expert Panel, Clingen
Classification: Likely pathogenic for Complex neurodevelopmental disorder. Last evaluated: 2024-04-23. Review status: reviewed by expert panel. Criteria: ClinGen EpilepsySCN ACMG Specifications SCN2A V1.0.0. Collection method: curation. Allele origin: germline.
Comment: The c.3778A>C variant in SCN2A is a missense variant predicted to cause substitution of Lysine by Glutamine at amino acid 1260 (p.Lys1260Gln). The variant has been identified as a de novo mosaic occurrence with unconfirmed parental relationships in one individual with a consistent phenotype (Early Infantile Epileptic Encephalopathy) in the published literature (PMID:26993267) as well as an additional individual with a consistent phenotype (Complex Neurodevelopmental Disorder), presumed germline with unknown inheritance in unpublished literature (O'Connor et al.. An additional reported case was identified but could not exclude possibility of overlap with other reported cases (internal data, Simons Searchlight). Of note, in all reported instances of this variant, an additional variant at the same position was identified (p.Lys1260Glu; interpretation of this additional variant would achieve Likely Pathogenic classification independent of proband evidence, refer to separate entry). The p.Lys1260Gln variant is absent from the population database gnomAD v3.1.2 and v4.0 (PM2_Supporting). The computational predictor REVEL gives a score of 0.942, which is above the threshold of 0.773, evidence that correlates with a maximum strength of (PP3_Moderate). Functional evidence, including heterologous expression with voltage clamping, has shown a shift of at least 4.1mV (value = -5.4, PMID:37578743) in voltage dependence of inactivation (PS3). Our EP recognizes the difficulty in distinguishing the contribution of each variant in the clinical presentation of each individual. However, there was a lack of evidence to suggest that either was contributing more or less than the other, or that either was benign, and therefore evidence criteria for PS4 or BP2 was not applied. This classification may be updated should either of these variants be identified in isolation. In summary, this variant meets the criteria to be classified as Likely Pathogenic for autosomal dominant complex neurodevelopmental disorder based on the ACMG/AMP criteria applied, as specified by the ClinGen Epilepsy Sodium Channel VCEP: PS3, PM2_supporting, PP3_moderate. (version 1.0; March 26, 2024).

Channelopathy-Associated Epilepsy Research Center
No classification provided (evidence only). Condition: Complex neurodevelopmental disorder. Review status: no classification provided. Collection method: literature only. Allele origin: not applicable. Functional consequence: Normal peak current, Mild hyperpolarizing shift of voltage dependence of activation, Normal slope of activation, Mild hyperpolarizing shift of voltage dependence of fast inactivation, Normal slope of fast inactivation, Normal rate of recovery from fast inactivation, Slowing of recovery from slow inactivation, Normal fast inactivation, Normal ramp current, Normal persistent current. Not counted in ClinVar's aggregate classification.
ClinVar note: "not provided" was previously submitted as the classification for the variant. However, the classification appeared to be based only on an observation of functional data so it was converted to no classification on 2025-07-30.

Literature cited by the submitters: PubMed 37578743 (cited by Channelopathy-Associated Epilepsy Research Center).